The following is an entry in ClinVar:

NM_000552.5(VWF):c.8155+6T>C

Gene: VWF (von Willebrand factor; minus strand). Cytogenetic location: 12p13.31.
Variant type: single nucleotide variant.
Coding change: c.8155+6T>C on transcript NM_000552.5 (MANE Select); 6 bases into the intron after coding-DNA position 8155, T replaced by C.
Molecular consequence: intron variant.
Genome position (GRCh38, 1-based): chr12:5,951,838, A>G on the plus strand (T>C on the coding strand, the complement: VWF is on the minus strand). VCF-style: chr12-5951838-A-G. GRCh37 (hg19) VCF-style: chr12-6061004-A-G.
Other names: c.8155+6T>C (NM_000552.4).
Identifiers: ClinVar variation 1065225 (VCV001065225.8), dbSNP rs1223422347, ClinGen allele CA603088783.

ClinVar aggregate classification (germline): Conflicting classifications of pathogenicity. Review status: criteria provided, conflicting classifications (1 of 4 stars). 4 submissions from 4 submitters: Likely pathogenic (2); Uncertain significance (1). 1 of the submissions does not count toward it. Last evaluated 2025-10-30.

Conditions:
von Willebrand disorder (VWD). Also called: Von Willebrand disease (hereditary or acquired); von Willebrand's disease; von Willebrand Diseases. Identifiers: MedGen C0042974, MeSH D014842, MONDO:0024574.
von Willebrand disease type 3 (VWD3). Also called: Type 3 Von Willebrand's disease; Type 3 VWD; Von Willebrand disease, severe form; V WD3; VON WILLEBRAND DISEASE, TYPE III. Identifiers: Orphanet 166096, MedGen C1264041, MONDO:0010191, OMIM 277480.

Allele frequency attached by ClinVar (database versions not stated): gnomAD exomes below 0.00001 and 0.00002; TOPMed 0.00001.
gnomAD v4.1: 22 of 1,614,204 alleles (0.0014%); highest among the groups gnomAD compares: Non-Finnish European, 0.0019%; no homozygotes.

Submissions (4):

Women's Health and Genetics/Laboratory Corporation of America, LabCorp
Classification: Likely pathogenic for von Willebrand disorder. Last evaluated: 2025-10-30. Review status: criteria provided, single submitter. Criteria: LabCorp Variant Classification Summary - May 2015. Collection method: clinical testing. Allele origin: germline.
Comment: Variant summary: VWF c.8155+6T>C alters a conserved nucleotide located close to a canonical splice site and therefore could affect mRNA splicing, leading to a significantly altered protein sequence. Several computational tools predict a significant impact on normal splicing: Two predict the variant weakens the canonical 5' donor site. One predict the variant abolishes the canonical 5' splicing donor site. One predict the variant no significant impact on splicing. At least one publication reports experimental evidence that this variant affects mRNA splicing by skipping of exon 50 and producing a PTC in exon 51 but not subject to nonsense-mediated mRNA decay (Plate_2010). The variant allele was found at a frequency of 4e-06 in 251476 control chromosomes. c.8155+6T>C has been observed at a compound heterozygous state with a VUS change in at-least one individual affected with Von Willebrand Disease (Plate_2010, Baronciani_2021), and the sister of this patient carrying only c.8155+6T>C, did not present vWD-related phenotypes. The following publications have been ascertained in the context of this evaluation (PMID: 34351388, 19773258). ClinVar contains an entry for this variant (Variation ID: 1065225). Based on the evidence outlined above, the variant was classified as likely pathogenic.

Quest Diagnostics Nichols Institute San Juan Capistrano
Classification: Uncertain significance. Last evaluated: 2025-07-15. Review status: criteria provided, single submitter. Criteria: Quest Diagnostics criteria. Collection method: clinical testing. Allele origin: unknown.
Comment: The VWF c.8155+6T>C variant has been reported in the published literature in an individual affected with Type 1 or 2M von Willebrand disease (vWD) who was compound heterozygous with the c.5779T>C (p.Cys1927Arg) variant (PMIDs: 19773258 (2010), 22329792 (2012)). In one study, the individual's RNA showed the skipping of exon 50 that would cause a frameshift and the premature termination of the VWF protein (PMID: 19773258 (2010)), however further research is needed to elucidate the effect of this allele on disease. Enhanced VWF clearance was also observed for this compound heterozygous genotype (PMID: 36754679 (2023)). The frequency of this variant in the general population (Genome Aggregation Database) is uninformative in the assessment of its pathogenicity. Analysis of this variant using software algorithms for the prediction of the effect of nucleotide changes on splicing yielded predictions that this variant may affect proper VWF mRNA splicing. Based on the available information, we are unable to determine the clinical significance of this variant.

GeneDx
Classification: Likely pathogenic. Last evaluated: 2025-05-22. Review status: criteria provided, single submitter. Criteria: GeneDx Variant Classification Process June 2021. Collection method: clinical testing. Allele origin: germline. Affected: yes.
Comment: Identified in the presence of a second VWF variant, phase unknown, in a patient with hematologic features of von Willebrand disease (PMID: 19773258); Sequencing of RT-PCR products from platelet- and lymphocyte-derived mRNA showed that c.8155+6T>C results in skipping of exon 50 leading to a premature termination codon in exon 51 (PMID: 19773258); Not observed at significant frequency in large population cohorts (gnomAD); In silico analysis supports a deleterious effect on splicing; This variant is associated with the following publications: (PMID: 19773258)

Angelo Bianchi Bonomi Hemophilia and Thrombosis Center, Fondazione IRCCS Ca Granda Ospedale Maggiore Policlinico
Classification: Likely pathogenic for von Willebrand disease type 3. Last evaluated: 2020-11-01. Review status: no assertion criteria provided. Collection method: clinical testing. Allele origin: germline. Affected: yes. Study: Type 3 Von Willebrand International Registries Inhibitor Prospective Study (3WINTERS-IPS). Not counted in ClinVar's aggregate classification.
Comment: ClinGen Pathogenicity Calculator

Literature cited by the submitters: PubMed 34351388 (cited by Women's Health and Genetics/Laboratory Corporation of America, LabCorp and Quest Diagnostics Nichols Institute San Juan Capistrano); PubMed 19773258 (cited by Women's Health and Genetics/Laboratory Corporation of America, LabCorp and Quest Diagnostics Nichols Institute San Juan Capistrano); PubMed 37845247 (cited by Quest Diagnostics Nichols Institute San Juan Capistrano); PubMed 22329792 (cited by Quest Diagnostics Nichols Institute San Juan Capistrano); PubMed 27279976 (cited by Quest Diagnostics Nichols Institute San Juan Capistrano); PubMed 36754679 (cited by Quest Diagnostics Nichols Institute San Juan Capistrano); PubMed 36637871 (cited by Quest Diagnostics Nichols Institute San Juan Capistrano).